The following is an entry in ClinVar:

NM_015570.4(AUTS2):c.1481T>C (p.Leu494Ser)

Gene: AUTS2 (activator of transcription and developmental regulator AUTS2; plus strand). Cytogenetic location: 7q11.22.
Variant type: single nucleotide variant.
Coding change: c.1481T>C on transcript NM_015570.4 (MANE Select); coding-DNA position 1481, T replaced by C.
Protein change: p.Leu494Ser; replaces leucine 494 with serine.
Molecular consequence: missense variant.
Genome position (GRCh38, 1-based): chr7:70,766,126, T>C. VCF-style: chr7-70766126-T-C. GRCh37 (hg19) VCF-style: chr7-70231112-T-C.
Other names: c.1481T>C, p.Leu494Ser (NM_001127231.3); short protein forms L494S.
Identifiers: ClinVar variation 382494 (VCV000382494.2), dbSNP rs1057521372, ClinGen allele CA16605388.
Genomic context (GRCh38, chr7:70,766,126, plus strand): 5'-CTTTTCTGAAGGAAAAGGCGTCATCGTCTCCCTCTTCTTCTCTTCCAGAGCAAGACATCT[T>C]GCGACAGGAACTGAACACTCGTTTTTTGGCCTCTCAGAGTGCTGACCGCGGGGCTTCCCT-3'
Protein context (NP_056385.1, residues 484-504): AGSTYSEQDI[Leu494Ser]RQELNTRFLA

ClinVar aggregate classification (germline): Uncertain significance (1 of 4 stars; one submission).

Submission:

GeneDx
Classification: Uncertain significance. Last evaluated: 2016-01-05. Review status: criteria provided, single submitter. Criteria: GeneDx Variant Classification (06012015). Collection method: clinical testing. Allele origin: germline. Affected: yes.
Comment: The L494S variant in the AUTS2 gene has not been reported previously as a pathogenic variant, noras a benign variant, to our knowledge. The L494S variant was not observed in approximately 6500individuals of European and African American ancestry in the NHLBI Exome Sequencing Project,indicating it is not a common benign variant in these populations. The L494S variant is anon-conservative amino acid substitution, which is likely to impact secondary protein structure asthese residues differ in polarity, charge, size and/or other properties. This substitution occurs at aposition that is conserved across species. In silico analysis predicts this variant is probably damaging tothe protein structure/function. We interpret L494S as a variant of uncertain significance.